The following is an entry in ClinVar:

ClinVar aggregate classification (germline): Likely benign (1 of 4 stars; one submission).

Submission:

CeGaT Center for Human Genetics Tuebingen
Classification: Likely benign. Last evaluated: 2025-09-01. Review status: criteria provided, single submitter. Criteria: CeGaT Center For Human Genetics Tuebingen Variant Classification Criteria Version 2. Collection method: clinical testing. Allele origin: germline. Affected: yes. Observed: 1 variant allele.
Comment: SLC15A3: PM2:Supporting, BP4, BP7

NM_016582.3(SLC15A3):c.1443G>A (p.Glu481=)

Gene: SLC15A3 (solute carrier family 15 member 3; minus strand). Cytogenetic location: 11q12.2.
Variant type: single nucleotide variant.
Coding change: c.1443G>A on transcript NM_016582.3 (MANE Select); coding-DNA position 1443, G replaced by A.
Protein change: p.Glu481=; no amino-acid change (glutamic acid 481 retained).
Molecular consequence: synonymous variant. On other transcripts: non-coding transcript variant (1).
Genome position (GRCh38, 1-based): chr11:60,938,018, C>T on the plus strand (G>A on the coding strand, the complement: SLC15A3 is on the minus strand). VCF-style: chr11-60938018-C-T. GRCh37 (hg19) VCF-style: chr11-60705490-C-T.
Identifiers: ClinVar variation 4281273 (VCV004281273.7).